The following is an entry in ClinVar:

NM_000388.4(CASR):c.3197G>A (p.Gly1066Asp)

Gene: CASR (calcium sensing receptor; plus strand). Cytogenetic location: 3q21.1.
Variant type: single nucleotide variant.
Coding change: c.3197G>A on transcript NM_000388.4 (MANE Select); coding-DNA position 3197, G replaced by A.
Protein change: p.Gly1066Asp; replaces glycine 1066 with aspartic acid.
Molecular consequence: missense variant.
Genome position (GRCh38, 1-based): chr3:122,285,151, G>A. VCF-style: chr3-122285151-G-A. GRCh37 (hg19) VCF-style: chr3-122003998-G-A.
Other names: c.3227G>A, p.Gly1076Asp (NM_001178065.2); short protein forms G1066D, G1076D.
Identifiers: ClinVar variation 1367794 (VCV001367794.11), dbSNP rs769439564, ClinGen allele CA2569946.

ClinVar aggregate classification (germline): Uncertain significance. Review status: criteria provided, multiple submitters, no conflicts (2 of 4 stars). 3 submissions from 3 submitters: Uncertain significance (3). Last evaluated 2022-09-15.

Conditions:
Nephrolithiasis/nephrocalcinosis. Identifiers: MedGen CN580796.
Familial hypocalciuric hypercalcemia (FHH). Also called: Familial benign hypercalcemia. Identifiers: Orphanet 405, MedGen C1809471, MONDO:0018458.
Autosomal dominant hypocalcemia 1 (HYPOC1). Also called: HYPOCALCEMIA, FAMILIAL. Identifiers: MedGen C3715128, MONDO:0011013, OMIM 601198.
Familial hypocalciuric hypercalcemia 1. Also called: Hypercalcemia, familial benign type 1. Identifiers: Orphanet 405, Orphanet 93372, MedGen C0342637, MONDO:0007791, OMIM 145980.
Neonatal severe primary hyperparathyroidism. Identifiers: Orphanet 417, MedGen C1832615, MONDO:0009397, OMIM 239200.
Epilepsy, idiopathic generalized, susceptibility to, 8. Identifiers: MedGen C2752062, MONDO:0013032, OMIM 612899.

Allele frequency attached by ClinVar (database versions not stated): gnomAD exomes below 0.00001; ExAC 0.00001; gnomAD 0.00001; TOPMed 0.00001.
gnomAD v4.1: 8 of 1,614,066 alleles (0.0005%); highest among the groups gnomAD compares: Middle Eastern, 0.016%; no homozygotes.

Submissions (3):

Labcorp Genetics (formerly Invitae), Labcorp
Classification: Uncertain significance for Familial hypocalciuric hypercalcemia; Autosomal dominant hypocalcemia 1. Last evaluated: 2022-09-15. Review status: criteria provided, single submitter. Criteria: Invitae Variant Classification Sherloc (09022015). Collection method: clinical testing. Allele origin: germline.
Comment: In summary, the available evidence is currently insufficient to determine the role of this variant in disease. Therefore, it has been classified as a Variant of Uncertain Significance. This sequence change replaces glycine, which is neutral and non-polar, with aspartic acid, which is acidic and polar, at codon 1066 of the CASR protein (p.Gly1066Asp). This variant is present in population databases (rs769439564, gnomAD 0.0009%). This variant has not been reported in the literature in individuals affected with CASR-related conditions. ClinVar contains an entry for this variant (Variation ID: 1367794). Algorithms developed to predict the effect of missense changes on protein structure and function are either unavailable or do not agree on the potential impact of this missense change (SIFT: "Deleterious"; PolyPhen-2: "Probably Damaging"; Align-GVGD: "Class C0").

Ambry Genetics
Classification: Uncertain significance for Nephrolithiasis/nephrocalcinosis. Last evaluated: 2022-06-21. Review status: criteria provided, single submitter. Criteria: Ambry Variant Classification Scheme 2023. Collection method: clinical testing. Allele origin: germline.
Comment: The p.G1066D variant (also known as c.3197G>A), located in coding exon 6 of the CASR gene, results from a G to A substitution at nucleotide position 3197. The glycine at codon 1066 is replaced by aspartic acid, an amino acid with similar properties. This amino acid position is conserved. In addition, the in silico prediction for this alteration is inconclusive. Since supporting evidence is limited at this time, the clinical significance of this alteration remains unclear.

Fulgent Genetics
Classification: Uncertain significance for Familial hypocalciuric hypercalcemia 1; Neonatal severe primary hyperparathyroidism; Autosomal dominant hypocalcemia 1; Epilepsy, idiopathic generalized, susceptibility to, 8. Last evaluated: 2021-11-11. Review status: criteria provided, single submitter. Criteria: ACMG Guidelines, 2015. Collection method: clinical testing. Allele origin: unknown.